The following is an entry in ClinVar:

NM_004370.6(COL12A1):c.1134C>T (p.His378=)

Gene: COL12A1 (collagen type XII alpha 1 chain; minus strand). Cytogenetic location: 6q13.
Variant type: single nucleotide variant.
Coding change: c.1134C>T on transcript NM_004370.6 (MANE Select); coding-DNA position 1134, C replaced by T.
Protein change: p.His378=; no amino-acid change (histidine 378 retained).
Molecular consequence: synonymous variant. On other transcripts: intron variant (1).
Genome position (GRCh38, 1-based): chr6:75,184,008, G>A on the plus strand (C>T on the coding strand, the complement: COL12A1 is on the minus strand). VCF-style: chr6-75184008-G-A. GRCh37 (hg19) VCF-style: chr6-75893724-G-A.
Other names: p.His378=; c.73+18712C>T (NM_080645.3).
Identifiers: ClinVar variation 779089 (VCV000779089.13), dbSNP rs376523503, ClinGen allele CA3894260.

ClinVar aggregate classification (germline): Likely benign. Review status: criteria provided, multiple submitters, no conflicts (2 of 4 stars). 4 submissions from 4 submitters: Likely benign (4). Last evaluated 2026-01-07.

Conditions:
Ullrich congenital muscular dystrophy 2 (UCMD2). Identifiers: Orphanet 75840, MedGen C4225314, MONDO:0014654, OMIM 616470.
Bethlem myopathy 2 (BTHLM2). Identifiers: Orphanet 536516, Orphanet 610, MedGen C4225313, MONDO:0034022, OMIM 616471.

Allele frequency attached by ClinVar (database versions not stated): gnomAD exomes 0.00003 and 0.00004; ExAC 0.00004; gnomAD 0.00007; TOPMed 0.00007; ESP Exome Variant Server 0.00016.
gnomAD v4.1: 51 of 1,614,038 alleles (0.0032%); highest among the groups gnomAD compares: African/African-American, 0.0093%; no homozygotes.

Submissions (4):

Labcorp Genetics (formerly Invitae), Labcorp
Classification: Likely benign for Bethlem myopathy 2; Ullrich congenital muscular dystrophy 2. Last evaluated: 2026-01-07. Review status: criteria provided, single submitter. Criteria: Invitae Variant Classification Sherloc (09022015). Collection method: clinical testing. Allele origin: germline.

Women's Health and Genetics/Laboratory Corporation of America, LabCorp
Classification: Likely benign. Last evaluated: 2025-07-31. Review status: criteria provided, single submitter. Criteria: LabCorp Variant Classification Summary - May 2015. Collection method: clinical testing. Allele origin: germline.

Mayo Clinic Laboratories, Mayo Clinic
Classification: Likely benign. Last evaluated: 2025-06-25. Review status: criteria provided, single submitter. Criteria: ACMG Guidelines, 2015. Collection method: clinical testing. Allele origin: germline. Observed: 1 variant allele.
Comment: BP4, BP7

Blueprint Genetics
Classification: Likely benign. Last evaluated: 2024-10-28. Review status: criteria provided, single submitter. Criteria: ACMG Guidelines, 2015. Collection method: clinical testing. Allele origin: germline.